The following is an entry in ClinVar:

ClinVar aggregate classification (germline): Uncertain significance (1 of 4 stars; one submission).

Submission:

GeneDx
Classification: Uncertain significance. Last evaluated: 2024-03-14. Review status: criteria provided, single submitter. Criteria: GeneDx Variant Classification Process June 2021. Collection method: clinical testing. Allele origin: germline. Affected: yes.
Comment: Not observed at significant frequency in large population cohorts (gnomAD); In silico analysis supports that this missense variant has a deleterious effect on protein structure/function; Has not been previously published as pathogenic or benign to our knowledge

NM_003590.5(CUL3):c.1235T>C (p.Leu412Ser)

Gene: CUL3 (cullin 3; minus strand). Cytogenetic location: 2q36.2.
Variant type: single nucleotide variant.
Coding change: c.1235T>C on transcript NM_003590.5 (MANE Select); coding-DNA position 1235, T replaced by C.
Protein change: p.Leu412Ser; replaces leucine 412 with serine.
Molecular consequence: missense variant.
Genome position (GRCh38, 1-based): chr2:224,503,794, A>G on the plus strand (T>C on the coding strand, the complement: CUL3 is on the minus strand). VCF-style: chr2-224503794-A-G. GRCh37 (hg19) VCF-style: chr2-225368511-A-G.
Other names: c.1037T>C, p.Leu346Ser (NM_001257197.2); c.1253T>C, p.Leu418Ser (NM_001257198.2); short protein forms L346S, L412S, L418S.
Identifiers: ClinVar variation 3252333 (VCV003252333.1), dbSNP rs2106197517.